The following is an entry in ClinVar:

ClinVar aggregate classification (germline): Likely benign (0 of 4 stars; one submission).

Conditions:
CMIP-related disorder. Also called: CMIP-related condition.

Allele frequency attached by ClinVar (database versions not stated): TOPMed 0.00003; gnomAD 0.00004; ExAC 0.00009.
gnomAD v4.1: 74 of 1,610,036 alleles (0.0046%); highest among the groups gnomAD compares: Non-Finnish European, 0.0062%; no homozygotes.

Submission:

PreventionGenetics, part of Exact Sciences
Classification: Likely benign for CMIP-related condition. Last evaluated: 2019-06-07. Review status: no assertion criteria provided. Collection method: clinical testing. Allele origin: germline.
Comment: This variant is classified as likely benign based on ACMG/AMP sequence variant interpretation guidelines (Richards et al. 2015 PMID: 25741868, with internal and published modifications).

NM_198390.3(CMIP):c.846A>C (p.Arg282=)

Gene: CMIP (c-Maf inducing protein; plus strand). Cytogenetic location: 16q23.3.
Variant type: single nucleotide variant.
Coding change: c.846A>C on transcript NM_198390.3 (MANE Select); coding-DNA position 846, A replaced by C.
Protein change: p.Arg282=; no amino-acid change (arginine 282 retained).
Molecular consequence: synonymous variant.
Genome position (GRCh38, 1-based): chr16:81,670,162, A>C. VCF-style: chr16-81670162-A-C. GRCh37 (hg19) VCF-style: chr16-81703767-A-C.
Other names: c.564A>C, p.Arg188= (NM_030629.3).
Identifiers: ClinVar variation 3033990 (VCV003033990.2), dbSNP rs754812064, ClinGen allele CA8192244.